The following is an entry in ClinVar:

NM_021830.5(TWNK):c.1374G>T (p.Gln458His)

Gene: TWNK (twinkle mtDNA helicase; plus strand). Cytogenetic location: 10q24.31.
Variant type: single nucleotide variant.
Coding change: c.1374G>T on transcript NM_021830.5 (MANE Select); coding-DNA position 1374, G replaced by T.
Protein change: p.Gln458His; replaces glutamine 458 with histidine.
Molecular consequence: missense variant. On other transcripts: non-coding transcript variant (5).
Genome position (GRCh38, 1-based): chr10:100,989,774, G>T. VCF-style: chr10-100989774-G-T. GRCh37 (hg19) VCF-style: chr10-102749531-G-T.
Other names: c.1374G>T, p.Gln458His (NM_001163812.2); c.12G>T, p.Gln4His (NM_001163813.2, NM_001163814.2, NM_001368275.1); short protein forms Q458H, Q4H.
Identifiers: ClinVar variation 426104 (VCV000426104.2), dbSNP rs1554887213, ClinGen allele CA378210725.

ClinVar aggregate classification (germline): Pathogenic. Review status: criteria provided, single submitter (1 of 4 stars). 2 submissions from 2 submitters: Pathogenic (1). 1 of the submissions does not count toward it. Last evaluated 2022-02-02.

Conditions:
Progressive external ophthalmoplegia with mitochondrial DNA deletions, autosomal dominant 3. Also called: PROGRESSIVE EXTERNAL OPHTHALMOPLEGIA, AUTOSOMAL DOMINANT 3. Identifiers: MedGen C1836439, MONDO:0012241, OMIM 609286.
Mitochondrial disease. Also called: Mitochondrial disorder; Mitochondrial disorders. Identifiers: Orphanet 68380, MedGen C0751651, MeSH D028361, MONDO:0044970.

Allele frequency attached by ClinVar (database versions not stated): gnomAD exomes below 0.00001.
gnomAD v4.1: 2 of 1,614,232 alleles (0.00012%); highest among the groups gnomAD compares: Non-Finnish European, 0.00017%; no homozygotes.

Submissions (2):

Victorian Clinical Genetics Services, Murdoch Childrens Research Institute
Classification: Pathogenic for Progressive external ophthalmoplegia with mitochondrial DNA deletions, autosomal dominant 3. Last evaluated: 2022-02-02. Review status: criteria provided, single submitter. Criteria: ACMG Guidelines, 2015. Collection method: clinical testing. Allele origin: germline. Inheritance: Autosomal dominant inheritance.
Comment: Based on the classification scheme VCGS_Germline_v1.3.4, this variant is classified as Pathogenic. Following criteria are met: 0103 - Dominant negative and loss of function are known mechanisms of disease in this gene and are associated with progressive external ophthalmoplegia with mitochondrial DNA deletions 3 (MIM#609286), mitochondrial DNA depletion syndrome 7 (hepatocerebral type) (MIM#271245) and Perrault syndrome 5 (MIM#616138) (PMID: 18971204). (I) 0108 - This gene is associated with both recessive and dominant disease. Mitochondrial DNA depletion syndrome 7 (hepatocerebral type) (MIM#271245) and Perrault syndrome 5 (MIM#616138) are inherited in a recessive manner, whereas progressive external ophthalmoplegia with mitochondrial DNA deletions 3 (MIM#609286) is a dominant condition (OMIM). (I) 0200 - Variant is predicted to result in a missense amino acid change from glutamine to histidine. (I) 0251 - This variant is heterozygous. (I) 0301 - Variant is absent from gnomAD (both v2 and v3). (SP) 0501 - Missense variant consistently predicted to be damaging by multiple in silico tools or highly conserved with a major amino acid change. (SP) 0600 - Variant is located between two Walker a/b motifs and within the helicase functional domain (PMID: 20479361). (I) 0705 - No comparable missense variants have previous evidence for pathogenicity. (I) 0802 - This variant has moderate previous evidence of pathogenicity in unrelated individuals. This variant has been observed in at least four heterozygous individuals with mitochondrial disease or progressive external ophthalmoplegia with ptosis (ClinVar, PMID: 28812649, PMID: 34732400, PMID: 20479361, PMID: 26469001). (SP) 0905 - No published segregation evidence has been identified for this variant. (I) 1007 - No published functional evidence has been identified for this variant. (I) 1207 - Parental origin of the variant is unresolved. (I) Legend: (SP) - Supporting pathogenic, (I) - Information, (SB) - Supporting benign

Mitochondrial Research Group, Newcastle University
Classification: Pathogenic for Mitochondrial disease. Last evaluated: 2017-04-07. Review status: no assertion criteria provided. Collection method: clinical testing. Allele origin: germline. Affected: yes. Observed: 1 variant allele. Not counted in ClinVar's aggregate classification.

Literature cited by the submitters: PubMed 18971204 (cited by Victorian Clinical Genetics Services, Murdoch Childrens Research Institute); PubMed 20479361 (cited by Victorian Clinical Genetics Services, Murdoch Childrens Research Institute); PubMed 26469001 (cited by Victorian Clinical Genetics Services, Murdoch Childrens Research Institute); PubMed 28812649 (cited by Victorian Clinical Genetics Services, Murdoch Childrens Research Institute and Mitochondrial Research Group, Newcastle University); PubMed 34732400 (cited by Victorian Clinical Genetics Services, Murdoch Childrens Research Institute).